The following is an entry in ClinVar:

ClinVar aggregate classification (germline): Uncertain significance (1 of 4 stars; one submission).

Conditions:
Neonatal-onset encephalopathy with rigidity and seizures. Also called: Lethal neonatal spasticity-epileptic encephalopathy syndrome. Identifiers: Orphanet 435845, MedGen C3281029, MONDO:0013784, OMIM 614498.

Allele frequency attached by ClinVar (database versions not stated): gnomAD exomes below 0.00001 and 0.00001; TOPMed 0.00001; ExAC 0.00002.

Submission:

Labcorp Genetics (formerly Invitae), Labcorp
Classification: Uncertain significance for Neonatal-onset encephalopathy with rigidity and seizures. Last evaluated: 2022-03-19. Review status: criteria provided, single submitter. Criteria: Invitae Variant Classification Sherloc (09022015). Collection method: clinical testing. Allele origin: germline.
Comment: This variant has not been reported in the literature in individuals affected with BRAT1-related conditions. In summary, the available evidence is currently insufficient to determine the role of this variant in disease. Therefore, it has been classified as a Variant of Uncertain Significance. Algorithms developed to predict the effect of missense changes on protein structure and function (SIFT, PolyPhen-2, Align-GVGD) all suggest that this variant is likely to be disruptive. This variant is present in population databases (rs749144600, gnomAD 0.002%). This sequence change replaces histidine, which is basic and polar, with asparagine, which is neutral and polar, at codon 170 of the BRAT1 protein (p.His170Asn).

NM_152743.4(BRAT1):c.508C>A (p.His170Asn)

Gene: BRAT1 (BRCA1 associated ATM activator 1; minus strand). Cytogenetic location: 7p22.3.
Variant type: single nucleotide variant.
Coding change: c.508C>A on transcript NM_152743.4 (MANE Select); coding-DNA position 508, C replaced by A.
Protein change: p.His170Asn; replaces histidine 170 with asparagine.
Molecular consequence: missense variant. On other transcripts: 5 prime UTR variant (1), non-coding transcript variant (1).
Genome position (GRCh38, 1-based): chr7:2,543,885, G>T on the plus strand (C>A on the coding strand, the complement: BRAT1 is on the minus strand). VCF-style: chr7-2543885-G-T. GRCh37 (hg19) VCF-style: chr7-2583519-G-T.
Other names: c.508C>A, p.His170Asn (NM_001350626.2); c.-18C>A (NM_001350627.2); short protein forms H170N.
Identifiers: ClinVar variation 1416473 (VCV001416473.8), dbSNP rs749144600, ClinGen allele CA4128178.